The following is an entry in ClinVar:

NM_006060.6(IKZF1):c.64G>A (p.Asp22Asn)

Gene: IKZF1 (IKAROS family zinc finger 1; plus strand). Cytogenetic location: 7p12.2.
Variant type: single nucleotide variant.
Coding change: c.64G>A on transcript NM_006060.6 (MANE Select); coding-DNA position 64, G replaced by A.
Protein change: p.Asp22Asn; replaces aspartic acid 22 with asparagine.
Molecular consequence: missense variant.
Genome position (GRCh38, 1-based): chr7:50,327,661, G>A. VCF-style: chr7-50327661-G-A. GRCh37 (hg19) VCF-style: chr7-50367257-G-A.
Other names: c.64G>A, p.Asp22Asn (NM_001220765.3, NM_001220767.2, NM_001220768.2 and 13 more transcripts); short protein forms D22N.
Identifiers: ClinVar variation 548932 (VCV000548932.9), dbSNP rs1245618829, ClinGen allele CA367569325.

ClinVar aggregate classification (germline): Conflicting classifications of pathogenicity. Review status: criteria provided, conflicting classifications (1 of 4 stars). 3 submissions from 3 submitters: Likely pathogenic (1); Uncertain significance (2). Last evaluated 2023-09-20.

Conditions:
Pancytopenia due to IKZF1 mutations. Also called: Immunodeficiency, common variable, 13. Identifiers: Orphanet 317473, MedGen C4225173, MONDO:0014810, OMIM 616873.

Allele frequency attached by ClinVar (database versions not stated): gnomAD exomes 0.00001.
gnomAD v4.1: 22 of 1,613,098 alleles (0.0014%); highest among the groups gnomAD compares: East Asian, 0.0045%; no homozygotes.

Submissions (3):

Labcorp Genetics (formerly Invitae), Labcorp
Classification: Uncertain significance. Last evaluated: 2023-09-20. Review status: criteria provided, single submitter. Criteria: Invitae Variant Classification Sherloc (09022015). Collection method: clinical testing. Allele origin: germline.
Comment: This sequence change replaces aspartic acid, which is acidic and polar, with asparagine, which is neutral and polar, at codon 22 of the IKZF1 protein (p.Asp22Asn). In summary, the available evidence is currently insufficient to determine the role of this variant in disease. Therefore, it has been classified as a Variant of Uncertain Significance. An algorithm developed to predict the effect of missense changes on protein structure and function (PolyPhen-2) suggests that this variant is likely to be disruptive. ClinVar contains an entry for this variant (Variation ID: 548932). This variant has not been reported in the literature in individuals affected with IKZF1-related conditions. This variant is present in population databases (no rsID available, gnomAD 0.002%).

GeneDx
Classification: Uncertain significance. Last evaluated: 2019-08-29. Review status: criteria provided, single submitter. Criteria: GeneDx Variant Classification Process June 2021. Collection method: clinical testing. Allele origin: germline. Affected: yes.
Comment: Not observed at a significant frequency in large population cohorts (Lek et al., 2016); In silico analysis, which includes protein predictors and evolutionary conservation, supports a deleterious effect; Has not been previously published as pathogenic or benign to our knowledge

Immunogenetics Laboratory, Johns Hopkins All Children's Hospital
Classification: Likely pathogenic for Pancytopenia due to IKZF1 mutations. Last evaluated: 2018-06-11. Review status: criteria provided, single submitter. Criteria: ACMG Guidelines, 2015. Collection method: clinical testing. Allele origin: germline. Inheritance: Autosomal dominant inheritance. Affected: yes. Observed: 1 variant allele, 1 heterozygote.
Comment: This is a novel low frequency variant (0.00082%). The nucleotide is highly conserved and the amino acid is moderately conserved. Prediction programs SIFT predicted deleterious (score: 0.03, median: 4.32), Mutation taster predicted disease causing (p-value: 1), and PolyPhen-2 predicted probably damaging (score 1.000). Germline IKZF1 mutations have been identified recently as a cause of common variable immunodeficiency and dysgammaglobulinemia through IKAROS haploinsufficiency (Bogaert 2018). They are autosomal dominantly inherited. It is very likely that this variant is the cause of the patientâ€™s disease.